The following is an entry in ClinVar:

ClinVar aggregate classification (germline): Uncertain significance (1 of 4 stars; one submission).

Conditions:
Tietz syndrome (TADS). Also called: ALBINISM-DEAFNESS OF TIETZ; HYPOPIGMENTATION/DEAFNESS OF TIETZ; TIETZ ALBINISM-DEAFNESS SYNDROME. Identifiers: Orphanet 42665, MedGen C0391816, MONDO:0007077, OMIM 103500.
Waardenburg syndrome type 2A (WS2A). Also called: WAARDENBURG SYNDROME WITHOUT DYSTOPIA CANTHORUM. Identifiers: Orphanet 3440, MedGen C1860339, MONDO:0008671, OMIM 193510.
Melanoma, cutaneous malignant, susceptibility to, 8. Also called: MELANOMA AND RENAL CELL CARCINOMA, SUSCEPTIBILITY TO; Cutaneous malignant melanoma 8. Identifiers: Orphanet 293822, MedGen C3152204, MONDO:0013759, OMIM 614456.

Submission:

Labcorp Genetics (formerly Invitae), Labcorp
Classification: Uncertain significance for Melanoma, cutaneous malignant, susceptibility to, 8; Waardenburg syndrome type 2A; Tietz syndrome. Last evaluated: 2025-08-18. Review status: criteria provided, single submitter. Criteria: Invitae Variant Classification Sherloc (09022015). Collection method: clinical testing. Allele origin: germline.
Comment: This sequence change replaces asparagine, which is neutral and polar, with histidine, which is basic and polar, at codon 46 of the MITF protein (p.Asn46His). This variant is not present in population databases (gnomAD no frequency). This variant has not been reported in the literature in individuals affected with MITF-related conditions. Invitae Evidence Modeling of protein sequence and biophysical properties (such as structural, functional, and spatial information, amino acid conservation, physicochemical variation, residue mobility, and thermodynamic stability) indicates that this missense variant is not expected to disrupt MITF protein function with a negative predictive value of 80%. In summary, the available evidence is currently insufficient to determine the role of this variant in disease. Therefore, it has been classified as a Variant of Uncertain Significance.

NM_001354604.2(MITF):c.457A>C (p.Asn153His)

Gene: MITF (melanocyte inducing transcription factor; plus strand). Cytogenetic location: 3p13.
Variant type: single nucleotide variant.
Coding change: c.457A>C on transcript NM_001354604.2 (MANE Select); coding-DNA position 457, A replaced by C.
Protein change: p.Asn153His; replaces asparagine 153 with histidine.
Molecular consequence: missense variant. On other transcripts: intron variant (1).
Genome position (GRCh38, 1-based): chr3:69,937,924, A>C. VCF-style: chr3-69937924-A-C. GRCh37 (hg19) VCF-style: chr3-69987075-A-C.
Other names: c.136A>C, p.Asn46His (NM_000248.4, NM_001184968.2, NM_198158.3); c.301A>C, p.Asn101His (NM_001184967.2, NM_001354608.2); c.454A>C, p.Asn152His (NM_001354605.2, NM_001354606.2, NM_006722.3); c.406A>C, p.Asn136His (NM_001354607.2); c.457A>C, p.Asn153His (NM_198159.3); c.409A>C, p.Asn137His (NM_198177.3); c.93+43A>C (NM_198178.3); short protein forms N152H, N153H, N101H, N46H, N136H, N137H.
Identifiers: ClinVar variation 4789915 (VCV004789915.1).